The following is an entry in ClinVar:

ClinVar aggregate classification (germline): Uncertain significance. Review status: criteria provided, multiple submitters, no conflicts (2 of 4 stars). 2 submissions from 2 submitters: Uncertain significance (2). Last evaluated 2025-03-03.

Conditions:
Progressive microcephaly-seizures-cortical blindness-developmental delay syndrome. Also called: Seizures, cortical blindness, and microcephaly syndrome. Identifiers: Orphanet 477814, MedGen C5567650, MONDO:0014714, OMIM 616632.
Autosomal dominant nonsyndromic hearing loss 1. Also called: KONIGSMARK SYNDROME; DEAFNESS, AUTOSOMAL DOMINANT 1, WITH OR WITHOUT THROMBOCYTOPENIA. Identifiers: Orphanet 90635, MedGen C1852282, MONDO:0007424, OMIM 124900.

Allele frequency attached by ClinVar (database versions not stated): 1000 Genomes Project 30x 0.00016; 1000 Genomes Project 0.00020.
gnomAD v4.1: 113 of 1,276,084 alleles (0.0089%); highest among the groups gnomAD compares: East Asian, 0.51%; 1 homozygote.

Submissions (2):

Labcorp Genetics (formerly Invitae), Labcorp
Classification: Uncertain significance for Progressive microcephaly-seizures-cortical blindness-developmental delay syndrome; Autosomal dominant nonsyndromic hearing loss 1. Last evaluated: 2025-03-03. Review status: criteria provided, single submitter. Criteria: Invitae Variant Classification Sherloc (09022015). Collection method: clinical testing. Allele origin: germline.
Comment: This sequence change replaces isoleucine, which is neutral and non-polar, with asparagine, which is neutral and polar, at codon 700 of the DIAPH1 protein (p.Ile700Asn). This variant is present in population databases (rs199830182, gnomAD 0.06%). This missense change has been observed in individual(s) with deafness (PMID: 25342930). This variant is also known as p.I691N. ClinVar contains an entry for this variant (Variation ID: 475701). Experimental studies and prediction algorithms are not available or were not evaluated, and the functional significance of this variant is currently unknown. In summary, the available evidence is currently insufficient to determine the role of this variant in disease. Therefore, it has been classified as a Variant of Uncertain Significance.

Mayo Clinic Laboratories, Mayo Clinic
Classification: Uncertain significance. Last evaluated: 2022-08-08. Review status: criteria provided, single submitter. Criteria: ACMG Guidelines, 2015. Collection method: clinical testing. Allele origin: germline. Observed: 1 variant allele.
Comment: BS1

Literature cited by the submitters: PubMed 25342930 (cited by Labcorp Genetics (formerly Invitae), Labcorp and Mayo Clinic Laboratories, Mayo Clinic); PubMed 27808407 (cited by Mayo Clinic Laboratories, Mayo Clinic); PubMed 34279089 (cited by Mayo Clinic Laboratories, Mayo Clinic).

NM_005219.5(DIAPH1):c.2099T>A (p.Ile700Asn)

Gene: DIAPH1 (diaphanous related formin 1; minus strand). Cytogenetic location: 5q31.3.
Variant type: single nucleotide variant.
Coding change: c.2099T>A on transcript NM_005219.5 (MANE Select); coding-DNA position 2099, T replaced by A.
Protein change: p.Ile700Asn; replaces isoleucine 700 with asparagine.
Molecular consequence: missense variant.
Genome position (GRCh38, 1-based): chr5:141,573,751, A>T on the plus strand (T>A on the coding strand, the complement: DIAPH1 is on the minus strand). VCF-style: chr5-141573751-A-T. GRCh37 (hg19) VCF-style: chr5-140953318-A-T.
Other names: p.Ile700Asn; c.2072T>A, p.Ile691Asn (NM_001079812.3); c.2099T>A, p.Ile700Asn (NM_001314007.2); short protein forms I691N, I700N.
Identifiers: ClinVar variation 475701 (VCV000475701.12), dbSNP rs199830182, ClinGen allele CA3479163.
Genomic context (GRCh38, chr5:141,573,751, plus strand): 5'-AGAGGGGGAGGAGGAGGTGGCATTCCTGCTTCTCCAGGCAAGGGAGGAGGTGGGGGGGGA[A>T]TTCCAGCACTCCCAGGCAAAGGAGGTGGTGGTGGGGGGATTCTAGCACTCCCAGGCAAAG-3'
Protein context (NP_005210.3, residues 690-710): PPPPLPGSAG[Ile700Asn]PPPPPPLPGE